The following is an entry in ClinVar:

NM_058174.3(COL6A2):c.2551A>G (p.Ile851Val)

Gene: COL6A2 (collagen type VI alpha 2 chain; plus strand). Cytogenetic location: 21q22.3.
Variant type: single nucleotide variant.
Coding change: c.2551A>G on transcript NM_058174.3 (MANE Plus Clinical); coding-DNA position 2551, A replaced by G.
Protein change: p.Ile851Val; replaces isoleucine 851 with valine.
Molecular consequence: missense variant. On other transcripts: 3 prime UTR variant (1), intron variant (1).
Genome position (GRCh38, 1-based): chr21:46,129,285, A>G. VCF-style: chr21-46129285-A-G. GRCh37 (hg19) VCF-style: chr21-47549199-A-G.
Other names: c.*357A>G (NM_058175.3); c.2462-2669A>G (NM_001849.4); short protein forms I851V.
Identifiers: ClinVar variation 4847112 (VCV004847112.1).
Genomic context (GRCh38, chr21:46,129,285, plus strand): 5'-GTCACCTTCCTCCGCACGGAAGAGGGGCCGGACGCCACCTTCCCCAGGACCATTCCCCTG[A>G]TCCAACAGTTGCTAAACGCCACGGAGCTCACGCAGGACCCGGCCGCCTACTCCCAGCTGG-3'
Protein context (NP_478054.2, residues 841-861): DATFPRTIPL[Ile851Val]QQLLNATELT

ClinVar aggregate classification (germline): Likely benign (1 of 4 stars; one submission).

gnomAD v4.1: 3 of 1,612,876 alleles (0.00019%); highest among the groups gnomAD compares: East Asian, 0.0022%; no homozygotes.

Submission:

Women's Health and Genetics/Laboratory Corporation of America, LabCorp
Classification: Likely benign. Last evaluated: 2026-03-18. Review status: criteria provided, single submitter. Criteria: LabCorp Variant Classification Summary - May 2015. Collection method: clinical testing. Allele origin: germline.
Comment: Variant summary: COL6A2 c.2462-2669A>G (also known as c.2551A>G (p.Ile851Val) in NM_058174) is located at a position not widely known to affect splicing. Consensus agreement among computation tools predict no significant impact on normal splicing. However, these predictions have yet to be confirmed by functional studies. The variant was absent in 250740 control chromosomes (gnomAD). The available data on variant occurrences in the general population are insufficient to allow any conclusion about variant significance. To our knowledge, no occurrence of c.2462-2669A>G in individuals affected with COL6A2-related conditions and no experimental evidence demonstrating its impact on protein function have been reported. No submitters have cited clinical-significance assessments for this variant to ClinVar. Based on the evidence outlined above, the variant was classified as likely benign.